The following is an entry in ClinVar:

ClinVar aggregate classification (germline): Benign. Review status: criteria provided, single submitter (1 of 4 stars). 4 submissions from 4 submitters: Benign (1). 3 of the submissions do not count toward it. Last evaluated 2022-03-23.

Conditions:
PRKAR1B-related disorder. Also called: PRKAR1B-related condition.

Allele frequency attached by ClinVar (database versions not stated): gnomAD exomes 0.00933 and 0.01937; TOPMed 0.01804; ExAC 0.03277; gnomAD 0.01504 and 0.01667; 1000 Genomes Project 30x 0.03810; ESP Exome Variant Server 0.01191; 1000 Genomes Project 0.04273.
gnomAD v4.1: 16,433 of 1,603,114 alleles (1%); highest among the groups gnomAD compares: East Asian, 18%; 827 homozygotes.

Submissions (4):

Mayo Clinic Laboratories, Mayo Clinic
Classification: Benign. Last evaluated: 2022-03-23. Review status: criteria provided, single submitter. Criteria: ACMG Guidelines, 2015. Collection method: clinical testing. Allele origin: germline. Observed: 12 variant alleles.

PreventionGenetics, part of Exact Sciences
Classification: Benign for PRKAR1B-related condition. Last evaluated: 2019-08-02. Review status: no assertion criteria provided. Collection method: clinical testing. Allele origin: germline. Not counted in ClinVar's aggregate classification.
Comment: This variant is classified as benign based on ACMG/AMP sequence variant interpretation guidelines (Richards et al. 2015 PMID: 25741868, with internal and published modifications).

Clinical Genetics DNA and cytogenetics Diagnostics Lab, Erasmus MC, Erasmus Medical Center
Classification: Benign. Review status: no assertion criteria provided. Collection method: clinical testing. Allele origin: germline. Affected: yes. Study: VKGL Data-share Consensus. Not counted in ClinVar's aggregate classification.

Genome Diagnostics Laboratory, Amsterdam University Medical Center
Classification: Benign. Review status: no assertion criteria provided. Collection method: clinical testing. Allele origin: germline. Affected: yes. Study: VKGL Data-share Consensus. Not counted in ClinVar's aggregate classification.

NM_001164760.2(PRKAR1B):c.1065C>T (p.Phe355=)

Gene: PRKAR1B (protein kinase cAMP-dependent type I regulatory subunit beta; minus strand). Cytogenetic location: 7p22.3.
Variant type: single nucleotide variant.
Coding change: c.1065C>T on transcript NM_001164760.2 (MANE Select); coding-DNA position 1065, C replaced by T.
Protein change: p.Phe355=; no amino-acid change (phenylalanine 355 retained).
Molecular consequence: synonymous variant.
Genome position (GRCh38, 1-based): chr7:550,511, G>A on the plus strand (C>T on the coding strand, the complement: PRKAR1B is on the minus strand). VCF-style: chr7-550511-G-A. GRCh37 (hg19) VCF-style: chr7-590148-G-A.
Other names: p.Phe355=; c.1065C>T, p.Phe355= (NM_001164758.2, NM_001164759.1, NM_001164761.2 and 2 more transcripts); c.1065C>T (NM_001164761.1).
Identifiers: ClinVar variation 1210096 (VCV001210096.7), dbSNP rs28488947, ClinGen allele CA4109819.
Genomic context (GRCh38, chr7:550,511, plus strand): 5'-GCTGTTGTAACGCTGAATGTTCCTCTTGAGGATCTCAGAGCAGGGCCCCAGCACACGCTC[G>A]AAGCGGGGCCGGTCCAGCTTCACACACTTGAGGGGCCCCCGGGCCACGACAGTGGCCGCC-3'
Protein context (NP_001158232.1, residues 345-365): LKCVKLDRPR[Phe355=]ERVLGPCSEI